The following is an entry in ClinVar:

ClinVar aggregate classification (germline): Uncertain significance. Review status: no assertion criteria provided (0 of 4 stars). 2 submissions from 2 submitters: Uncertain significance (2). Last evaluated 2024-09-27.

Conditions:
Polycystic kidney disease 6 with or without polycystic liver disease. Also called: Autosomal Dominant Polycystic Kidney Disease-DNAJB11. Identifiers: MedGen C4748044, MONDO:0054842, OMIM 618061.
DNAJB11-related disorder. Also called: DNAJB11-related condition.

Submissions (2):

PreventionGenetics, part of Exact Sciences
Classification: Uncertain significance for DNAJB11-related condition. Last evaluated: 2024-09-27. Review status: no assertion criteria provided. Collection method: clinical testing. Allele origin: germline.
Comment: The DNAJB11 c.800T>C variant is predicted to result in the amino acid substitution p.Val267Ala. To our knowledge, this variant has not been reported in the literature or in a large population database, indicating this variant is rare. At this time, the clinical significance of this variant is uncertain due to the absence of conclusive functional and genetic evidence.

Institute of Human Genetics, Cologne University
Classification: Uncertain significance for Polycystic kidney disease 6 with or without polycystic liver disease. Review status: no assertion criteria provided. Collection method: clinical testing. Allele origin: unknown. Inheritance: Autosomal dominant inheritance. Affected: yes. Observed: 1 heterozygote.

NM_016306.6(DNAJB11):c.800T>C (p.Val267Ala)

Gene: DNAJB11 (DnaJ heat shock protein family (Hsp40) member B11; plus strand). Cytogenetic location: 3q27.3.
Variant type: single nucleotide variant.
Coding change: c.800T>C on transcript NM_016306.6 (MANE Select); coding-DNA position 800, T replaced by C.
Protein change: p.Val267Ala; replaces valine 267 with alanine.
Molecular consequence: missense variant. On other transcripts: non-coding transcript variant (5).
Genome position (GRCh38, 1-based): chr3:186,583,924, T>C. VCF-style: chr3-186583924-T-C. GRCh37 (hg19) VCF-style: chr3-186301713-T-C.
Other names: c.524T>C, p.Val175Ala (NM_001378451.1); short protein forms V175A, V267A.
Identifiers: ClinVar variation 987515 (VCV000987515.2), dbSNP rs1715573698, ClinGen allele CA355716096.